The following is an entry in ClinVar:

NM_004364.5(CEBPA):c.44T>G (p.Met15Arg)

Genes: CEBPA (CCAAT enhancer binding protein alpha; minus strand), LOC130064183 (ATAC-STARR-seq lymphoblastoid silent region 10495; plus strand). Cytogenetic location: 19q13.11.
Variant type: single nucleotide variant.
Coding change: c.44T>G on transcript NM_004364.5 (MANE Select); coding-DNA position 44, T replaced by G.
Protein change: p.Met15Arg; replaces methionine 15 with arginine.
Molecular consequence: missense variant. On other transcripts: 5 prime UTR variant (1), initiator codon variant (1).
Genome position (GRCh38, 1-based): chr19:33,302,371, A>C on the plus strand (T>G on the coding strand, the complement: CEBPA is on the minus strand). VCF-style: chr19-33302371-A-C. GRCh37 (hg19) VCF-style: chr19-33793277-A-C.
Other names: c.-314T>G (NM_001285829.2); c.149T>G, p.Met50Arg (NM_001287424.2); c.2T>G, p.Met1Arg (NM_001287435.2); short protein forms M15R, M1R, M50R.
Identifiers: ClinVar variation 4611570 (VCV004611570.1).

ClinVar aggregate classification (germline): Uncertain significance (1 of 4 stars; one submission).

Conditions:
Inborn genetic diseases. Identifiers: MedGen C0950123, MeSH D030342.

Submission:

Ambry Genetics
Classification: Uncertain significance for Inborn genetic diseases. Last evaluated: 2025-12-10. Review status: criteria provided, single submitter. Criteria: Ambry Variant Classification Scheme 2023. Collection method: clinical testing. Allele origin: germline.
Comment: The p.M15R variant (also known as c.44T>G), located in coding exon 1 of the CEBPA gene, results from a T to G substitution at nucleotide position 44. The methionine at codon 15 is replaced by arginine, an amino acid with similar properties. This amino acid position is conserved. In addition, the in silico prediction for this alteration is inconclusive. Based on the available evidence, the clinical significance of this variant remains unclear.